The following is an entry in ClinVar:

NM_016030.6(TRAPPC12):c.25G>C (p.Glu9Gln)

Gene: TRAPPC12 (trafficking protein particle complex subunit 12; plus strand). Cytogenetic location: 2p25.3.
Variant type: single nucleotide variant.
Coding change: c.25G>C on transcript NM_016030.6 (MANE Select); coding-DNA position 25, G replaced by C.
Protein change: p.Glu9Gln; replaces glutamic acid 9 with glutamine.
Molecular consequence: missense variant.
Genome position (GRCh38, 1-based): chr2:3,387,648, G>C. VCF-style: chr2-3387648-G-C. GRCh37 (hg19) VCF-style: chr2-3391419-G-C.
Other names: c.25G>C, p.Glu9Gln (NM_001321102.2); short protein forms E9Q.
Identifiers: ClinVar variation 2221667 (VCV002221667.5), dbSNP rs1023943999, ClinGen allele CA41516409.
Genomic context (GRCh38, chr2:3,387,648, plus strand): 5'-CTCAGGGGCCTTCTCTCTGTCTTTGCTTTCAGGGTCATGGAGGACGCTGGCGGCGGCGAG[G>C]AGACCCCGGCCCCGGAGGCCCCGCACCCCCCTCAGCTCGCGCCTCCGGAGGAGCAGGGGT-3'
Protein context (NP_057114.5, residues 1-19): MEDAGGGE[Glu9Gln]TPAPEAPHPP

ClinVar aggregate classification (germline): Conflicting classifications of pathogenicity. Review status: criteria provided, conflicting classifications (1 of 4 stars). 2 submissions from 2 submitters: Uncertain significance (1); Likely benign (1). Last evaluated 2024-10-24.

Conditions:
Inborn genetic diseases. Identifiers: MedGen C0950123, MeSH D030342.

Allele frequency attached by ClinVar (database versions not stated): gnomAD 0.00001; gnomAD exomes 0.00004.
gnomAD v4.1: 60 of 1,545,490 alleles (0.0039%); highest among the groups gnomAD compares: Non-Finnish European, 0.005%; no homozygotes.

Submissions (2):

Labcorp Genetics (formerly Invitae), Labcorp
Classification: Uncertain significance. Last evaluated: 2024-10-24. Review status: criteria provided, single submitter. Criteria: Invitae Variant Classification Sherloc (09022015). Collection method: clinical testing. Allele origin: germline.
Comment: This sequence change replaces glutamic acid, which is acidic and polar, with glutamine, which is neutral and polar, at codon 9 of the TRAPPC12 protein (p.Glu9Gln). This variant is present in population databases (no rsID available, gnomAD 0.01%). This variant has not been reported in the literature in individuals affected with TRAPPC12-related conditions. ClinVar contains an entry for this variant (Variation ID: 2221667). An algorithm developed to predict the effect of missense changes on protein structure and function outputs the following: PolyPhen-2: "Not Available". The glutamine amino acid residue is found in multiple mammalian species, which suggests that this missense change does not adversely affect protein function. In summary, the available evidence is currently insufficient to determine the role of this variant in disease. Therefore, it has been classified as a Variant of Uncertain Significance.

Ambry Genetics
Classification: Likely benign for Inborn genetic diseases. Last evaluated: 2022-10-05. Review status: criteria provided, single submitter. Criteria: Ambry Variant Classification Scheme 2023. Collection method: clinical testing. Allele origin: germline.